The following is an entry in ClinVar:

ClinVar aggregate classification (germline): Conflicting classifications of pathogenicity. Review status: criteria provided, conflicting classifications (1 of 4 stars). 12 submissions from 12 submitters: Uncertain significance (9); Likely benign (2). 1 of the submissions does not count toward it. Last evaluated 2025-11-20.

Conditions:
Desmoid disease, hereditary (DESMD). Also called: FIBROMATOSIS, FAMILIAL INFILTRATIVE. Identifiers: Orphanet 873, MedGen C1851124, OMIM 135290. Disease mechanism: loss of function.
Gastric adenocarcinoma and proximal polyposis of the stomach (GAPPS). Also called: Polyposis, gastric, Dos Santos and de Magalhaes 1980; Gastric Adenocarcinoma and Proximal Polyposis of the Stomach (GAPPS); POLYPOSIS, GASTRIC. Identifiers: Orphanet 314022, MedGen C4749917, MONDO:0017790, OMIM 619182.
Hepatocellular carcinoma (HCC). Also called: Primary carcinoma of liver; HEPATOMA; LIVER CELL CARCINOMA. Identifiers: Orphanet 88673, MedGen C2239176, MONDO:0007256, OMIM 114550, HP:0001402.
Gastric cancer. Also called: Stomach cancer; Malignant tumor of stomach. Identifiers: MedGen C0024623, MeSH D013274, MONDO:0001056, OMIM 613659, HP:0012126.
Colorectal cancer. Also called: Colorectal cancer, somatic; Malignant Colorectal Neoplasm. Identifiers: MedGen C0346629, MONDO:0005575, OMIM 114500.
Familial adenomatous polyposis 1 (FAP1). Also called: FAMILIAL ADENOMATOUS POLYPOSIS 1, ATTENUATED; POLYPOSIS, ADENOMATOUS INTESTINAL. Identifiers: MedGen C2713442, MONDO:0021056, OMIM 175100. Disease mechanism: loss of function.
Classic or attenuated familial adenomatous polyposis. Identifiers: MedGen CN372698, MONDO:0021057.
Hereditary cancer-predisposing syndrome. Also called: Tumor predisposition; Neoplastic Syndromes, Hereditary; Hereditary Cancer Syndrome; Hereditary neoplastic syndrome. Identifiers: Orphanet 140162, MedGen C0027672, MeSH D009386, MONDO:0015356.

Allele frequency attached by ClinVar (database versions not stated): ExAC 0.00001; gnomAD exomes 0.00002 and 0.00003; TOPMed 0.00003; gnomAD 0.00004.
gnomAD v4.1: 52 of 1,613,926 alleles (0.0032%); highest among the groups gnomAD compares: Non-Finnish European, 0.0042%; no homozygotes.

Submissions (12):

Labcorp Genetics (formerly Invitae), Labcorp
Classification: Uncertain significance for Familial adenomatous polyposis 1. Last evaluated: 2025-11-20. Review status: criteria provided, single submitter. Criteria: Invitae Variant Classification Sherloc (09022015). Collection method: clinical testing. Allele origin: germline.
Comment: This sequence change replaces threonine, which is neutral and polar, with alanine, which is neutral and non-polar, at codon 1947 of the APC protein (p.Thr1947Ala). This variant is present in population databases (rs746346292, gnomAD 0.005%). This variant has not been reported in the literature in individuals affected with APC-related conditions. ClinVar contains an entry for this variant (Variation ID: 185103). Invitae Evidence Modeling of protein sequence and biophysical properties (such as structural, functional, and spatial information, amino acid conservation, physicochemical variation, residue mobility, and thermodynamic stability) indicates that this missense variant is not expected to disrupt APC protein function with a negative predictive value of 95%. In summary, the available evidence is currently insufficient to determine the role of this variant in disease. Therefore, it has been classified as a Variant of Uncertain Significance.

Center for Genomic Medicine, Rigshospitalet, Copenhagen University Hospital
Classification: Likely benign. Last evaluated: 2025-03-04. Review status: criteria provided, single submitter. Criteria: ACMG Guidelines, 2015. Collection method: clinical testing. Allele origin: germline.

Quest Diagnostics Nichols Institute San Juan Capistrano
Classification: Uncertain significance. Last evaluated: 2024-10-08. Review status: criteria provided, single submitter. Criteria: Quest Diagnostics criteria. Collection method: clinical testing. Allele origin: unknown.
Comment: The APC c.5839A>G (p.Thr1947Ala) variant has not been reported in individuals with APC-related conditions in the published literature. The frequency of this variant in the general population, 0.000047 (6/128326 chromosomes (Genome Aggregation Database)), is uninformative in the assessment of its pathogenicity. Analysis of this variant using bioinformatics tools for the prediction of the effect of amino acid changes on protein structure and function yielded predictions that this variant is benign. Based on the available information, we are unable to determine the clinical significance of this variant.

Baylor Genetics
Classification: Uncertain significance for Familial adenomatous polyposis 1. Last evaluated: 2024-03-18. Review status: criteria provided, single submitter. Criteria: ACMG Guidelines, 2015. Collection method: clinical testing. Allele origin: unknown.

Color Diagnostics, LLC DBA Color Health
Classification: Uncertain significance for Hereditary cancer-predisposing syndrome. Last evaluated: 2024-03-06. Review status: criteria provided, single submitter. Criteria: ACMG Guidelines, 2015. Collection method: clinical testing. Allele origin: germline.
Comment: This missense variant replaces threonine with alanine at codon 1947 of the APC protein. Computational prediction suggests that this variant may not impact protein structure and function (internally defined REVEL score threshold <= 0.5, PMID: 27666373). To our knowledge, functional studies have not been reported for this variant. This variant has not been reported in individuals affected with APC-related disorders in the literature. This variant has been identified in 6/281840 chromosomes in the general population by the Genome Aggregation Database (gnomAD). The available evidence is insufficient to determine the role of this variant in disease conclusively. Therefore, this variant is classified as a Variant of Uncertain Significance.

Fulgent Genetics
Classification: Uncertain significance for Colorectal cancer; Hepatocellular carcinoma; Desmoid disease, hereditary; Familial adenomatous polyposis 1; Gastric cancer; Gastric adenocarcinoma and proximal polyposis of the stomach. Last evaluated: 2024-02-18. Review status: criteria provided, single submitter. Criteria: ACMG Guidelines, 2015. Collection method: clinical testing. Allele origin: germline.

All of Us Research Program, National Institutes of Health
Classification: Uncertain significance for Classic or attenuated familial adenomatous polyposis. Last evaluated: 2023-12-01. Review status: criteria provided, single submitter. Criteria: ACMG Guidelines, 2015. Collection method: clinical testing. Allele origin: germline. Inheritance: Autosomal dominant inheritance. Observed: 9 variant alleles, 9 heterozygotes.
Comment: This missense variant replaces threonine with alanine at codon 1947 of the APC protein. Computational prediction suggests that this variant may not impact protein structure and function (internally defined REVEL score threshold <= 0.5, PMID: 27666373). Splice site prediction tools suggest that this variant may not impact RNA splicing. To our knowledge, functional studies have not been reported for this variant. This variant has not been reported in individuals affected with hereditary cancer in the literature. This variant has been identified in 6/281840 chromosomes in the general population by the Genome Aggregation Database (gnomAD). The available evidence is insufficient to determine the role of this variant in disease conclusively. Therefore, this variant is classified as a Variant of Uncertain Significance.

This study involves interpretation of variants in research participants for the purpose of population health screening. Participant phenotype was not available at the time of variant classification. Additional details can be found in publication PMID: 35346344, PMCID: PMC8962531

GeneDx
Classification: Uncertain significance. Last evaluated: 2023-04-26. Review status: criteria provided, single submitter. Criteria: GeneDx Variant Classification Process June 2021. Collection method: clinical testing. Allele origin: germline. Affected: yes.
Comment: In silico analysis supports that this missense variant does not alter protein structure/function; Has not been previously published as pathogenic or benign to our knowledge; This variant is associated with the following publications: (PMID: 18199528)

Myriad Genetics, Inc.
Classification: Uncertain significance for Familial adenomatous polyposis 1. Last evaluated: 2023-02-16. Review status: criteria provided, single submitter. Criteria: Myriad Autosomal Dominant, Autosomal Recessive and X-Linked Classification Criteria (2023). Collection method: clinical testing. Allele origin: unknown.
Comment: This variant is classified as a variant of uncertain significance as there is insufficient evidence to determine its impact on protein function and/or cancer risk.

Ambry Genetics
Classification: Likely benign for Hereditary cancer-predisposing syndrome. Last evaluated: 2021-07-22. Review status: criteria provided, single submitter. Criteria: Ambry Variant Classification Scheme 2023. Collection method: clinical testing. Allele origin: germline.

Women's Health and Genetics/Laboratory Corporation of America, LabCorp
Classification: Uncertain significance. Last evaluated: 2017-12-04. Review status: criteria provided, single submitter. Criteria: LabCorp Variant Classification Summary - May 2015. Collection method: clinical testing. Allele origin: germline.
Comment: Variant summary: The APC c.5839A>G (p.Thr1947Ala) variant involves the alteration of a conserved nucleotide. 3/4 in silico tools predict a benign outcome for this variant (SNPsandGO not captured due to low reliability index). This variant was found in 6/276170 control chromosomes at a frequency of 0.0000217, which does not exceed the estimated maximal expected allele frequency of a pathogenic APC variant (0.0000714). In addition, multiple clinical diagnostic laboratories/reputable databases classified this variant as uncertain significance. The variant of interest has not, to our knowledge, been reported in affected individuals via publications, nor evaluated for functional impact by in vivo/vitro studies. Because of the absence of clinical information and the lack of functional studies, the variant is classified as a variant of uncertain significance (VUS) until additional information becomes available.

Counsyl
Classification: Uncertain significance for Familial adenomatous polyposis 1. Last evaluated: 2015-11-23. Review status: no assertion criteria provided. Collection method: clinical testing. Allele origin: unknown. Not counted in ClinVar's aggregate classification.

NM_000038.6(APC):c.5839A>G (p.Thr1947Ala)

Gene: APC (APC regulator of Wnt signaling pathway; plus strand). Cytogenetic location: 5q22.2.
Variant type: single nucleotide variant.
Coding change: c.5839A>G on transcript NM_000038.6 (MANE Select); coding-DNA position 5839, A replaced by G.
Protein change: p.Thr1947Ala; replaces threonine 1947 with alanine.
Molecular consequence: missense variant.
Genome position (GRCh38, 1-based): chr5:112,841,433, A>G. VCF-style: chr5-112841433-A-G. GRCh37 (hg19) VCF-style: chr5-112177130-A-G.
Other names: c.5839A>G, p.Thr1947Ala (NM_001127510.3, NM_001354895.2); c.5785A>G, p.Thr1929Ala (NM_001127511.3); c.5893A>G, p.Thr1965Ala (NM_001354896.2); c.5869A>G, p.Thr1957Ala (NM_001354897.2); c.5764A>G, p.Thr1922Ala (NM_001354898.2); c.5755A>G, p.Thr1919Ala (NM_001354899.2); c.5716A>G, p.Thr1906Ala (NM_001354900.2); c.5662A>G, p.Thr1888Ala (NM_001354901.2); and 5 more; short protein forms T1929A, T1947A, T1906A, T1846A, T1856A, T1888A, T1922A, T1957A.
Identifiers: ClinVar variation 185103 (VCV000185103.46), dbSNP rs746346292, ClinGen allele CA010734.